The following is an entry in ClinVar:

NM_000535.7(PMS2):c.*4T>G

Gene: PMS2 (PMS1 homolog 2, mismatch repair system component; minus strand). Cytogenetic location: 7p22.1.
Variant type: single nucleotide variant.
Coding change: c.*4T>G on transcript NM_000535.7 (MANE Select); 4 bases downstream of the stop codon, T replaced by G.
Molecular consequence: 3 prime UTR variant. On other transcripts: non-coding transcript variant (1).
Genome position (GRCh38, 1-based): chr7:5,973,395, A>C on the plus strand (T>G on the coding strand, the complement: PMS2 is on the minus strand). VCF-style: chr7-5973395-A-C. GRCh37 (hg19) VCF-style: chr7-6013026-A-C.
Other names: c.*4T>G (NM_001322003.2, NM_001322004.2, NM_001322005.2 and 56 more transcripts).
Identifiers: ClinVar variation 3903988 (VCV003903988.1).
Genomic context (GRCh38, chr7:5,973,395, plus strand): 5'-AGACTCTGTCTTTCAAAACATAAAAATCTGCGATAAAACCAATTATTCCATACAGTGACT[A>C]CGGTCAGTTCTGAGAAATGACACCCAGGTTGGCGATGTGTCTCATGGTTGGCCTTCCATG-3'

ClinVar aggregate classification (germline): Benign (1 of 4 stars; one submission).

Conditions:
Lynch syndrome 4 (LYNCH4). Also called: Colorectal cancer, hereditary nonpolyposis, type 4; Hereditary non-polyposis colorectal cancer, type 4. Identifiers: Orphanet 144, MedGen C1838333, MONDO:0013699, OMIM 614337. Disease mechanism: loss of function.

Submission:

Myriad Genetics, Inc.
Classification: Benign for Lynch syndrome 4. Last evaluated: 2025-02-04. Review status: criteria provided, single submitter. Criteria: Myriad Autosomal Dominant, Autosomal Recessive and X-Linked Classification Criteria (2023). Collection method: clinical testing. Allele origin: unknown.
Comment: This variant is considered benign. This variant occurs in the non-coding 3' untranslated region of the gene, and is not expected to impact protein function.